The following is an entry in ClinVar:

NM_002692.4(POLE2):c.858G>T (p.Met286Ile)

Gene: POLE2 (DNA polymerase epsilon 2, accessory subunit; minus strand). Cytogenetic location: 14q21.3.
Variant type: single nucleotide variant.
Coding change: c.858G>T on transcript NM_002692.4 (MANE Select); coding-DNA position 858, G replaced by T.
Protein change: p.Met286Ile; replaces methionine 286 with isoleucine.
Molecular consequence: missense variant.
Genome position (GRCh38, 1-based): chr14:49,655,741, C>A on the plus strand (G>T on the coding strand, the complement: POLE2 is on the minus strand). VCF-style: chr14-49655741-C-A. GRCh37 (hg19) VCF-style: chr14-50122459-C-A.
Other names: c.780G>T, p.Met260Ile (NM_001197330.2); c.858G>T, p.Met286Ile (NM_001197331.3, NM_001348384.2); c.627G>T, p.Met209Ile (NM_001348385.2); short protein forms M209I, M260I, M286I.
Identifiers: ClinVar variation 2881176 (VCV002881176.3), dbSNP rs2502833567, ClinGen allele CA389604224.

ClinVar aggregate classification (germline): Uncertain significance (1 of 4 stars; one submission).

Submission:

Labcorp Genetics (formerly Invitae), Labcorp
Classification: Uncertain significance. Last evaluated: 2023-06-07. Review status: criteria provided, single submitter. Criteria: Invitae Variant Classification Sherloc (09022015). Collection method: clinical testing. Allele origin: germline.
Comment: This variant has not been reported in the literature in individuals affected with POLE2-related conditions. In summary, the available evidence is currently insufficient to determine the role of this variant in disease. Therefore, it has been classified as a Variant of Uncertain Significance. An algorithm developed to predict the effect of missense changes on protein structure and function (PolyPhen-2) suggests that this variant is likely to be tolerated. This variant is not present in population databases (gnomAD no frequency). This sequence change replaces methionine, which is neutral and non-polar, with isoleucine, which is neutral and non-polar, at codon 286 of the POLE2 protein (p.Met286Ile).